The following is an entry in ClinVar:

ClinVar aggregate classification (germline): Uncertain significance (1 of 4 stars; one submission).

Conditions:
Saldino-Mainzer syndrome (SRTD9). Also called: CONORENAL SYNDROME; Renal dysplasia, retinal pigmentary dystrophy, cerebellar ataxia and skeletal dysplasia; SHORT-RIB THORACIC DYSPLASIA 9 WITHOUT POLYDACTYLY; short-rib thoracic dysplasia 9 with or without polydactyly. Identifiers: Orphanet 140969, MedGen C1849437, MONDO:0009964, OMIM 266920.

Allele frequency attached by ClinVar (database versions not stated): gnomAD exomes below 0.00001.

Submission:

Labcorp Genetics (formerly Invitae), Labcorp
Classification: Uncertain significance for Saldino-Mainzer syndrome. Last evaluated: 2023-10-03. Review status: criteria provided, single submitter. Criteria: Invitae Variant Classification Sherloc (09022015). Collection method: clinical testing. Allele origin: germline.
Comment: This sequence change replaces glutamine, which is neutral and polar, with lysine, which is basic and polar, at codon 415 of the IFT140 protein (p.Gln415Lys). This variant is not present in population databases (gnomAD no frequency). This variant has not been reported in the literature in individuals affected with IFT140-related conditions. ClinVar contains an entry for this variant (Variation ID: 2035117). Advanced modeling of protein sequence and biophysical properties (such as structural, functional, and spatial information, amino acid conservation, physicochemical variation, residue mobility, and thermodynamic stability) performed at Invitae indicates that this missense variant is not expected to disrupt IFT140 protein function. In summary, the available evidence is currently insufficient to determine the role of this variant in disease. Therefore, it has been classified as a Variant of Uncertain Significance.

NM_014714.4(IFT140):c.1243C>A (p.Gln415Lys)

Genes: IFT140 (intraflagellar transport 140; minus strand), LOC105371046 (uncharacterized LOC105371046; plus strand). Cytogenetic location: 16p13.3.
Variant type: single nucleotide variant.
Coding change: c.1243C>A on transcript NM_014714.4 (MANE Select); coding-DNA position 1243, C replaced by A.
Protein change: p.Gln415Lys; replaces glutamine 415 with lysine.
Molecular consequence: missense variant.
Genome position (GRCh38, 1-based): chr16:1,584,333, G>T on the plus strand (C>A on the coding strand, the complement: IFT140 is on the minus strand). VCF-style: chr16-1584333-G-T. GRCh37 (hg19) VCF-style: chr16-1634334-G-T.
Other names: short protein forms Q415K.
Identifiers: ClinVar variation 2035117 (VCV002035117.4), dbSNP rs2034749798, ClinGen allele CA394214777.